The following is an entry in ClinVar:

NM_007347.5(AP4E1):c.86A>C (p.Lys29Thr)

Gene: AP4E1 (adaptor related protein complex 4 subunit epsilon 1; plus strand). Cytogenetic location: 15q21.2.
Variant type: single nucleotide variant.
Coding change: c.86A>C on transcript NM_007347.5 (MANE Select); coding-DNA position 86, A replaced by C.
Protein change: p.Lys29Thr; replaces lysine 29 with threonine.
Molecular consequence: missense variant. On other transcripts: 5 prime UTR variant (1).
Genome position (GRCh38, 1-based): chr15:50,908,864, A>C. VCF-style: chr15-50908864-A-C. GRCh37 (hg19) VCF-style: chr15-51201061-A-C.
Other names: c.-163A>C (NM_001252127.2); short protein forms K29T.
Identifiers: ClinVar variation 2857791 (VCV002857791.3), dbSNP rs2063529913, ClinGen allele CA392410482.

ClinVar aggregate classification (germline): Uncertain significance (1 of 4 stars; one submission).

Conditions:
Spastic paraplegia. Identifiers: MedGen C0037772, HP:0001258.

Submission:

Labcorp Genetics (formerly Invitae), Labcorp
Classification: Uncertain significance for Spastic paraplegia. Last evaluated: 2023-04-20. Review status: criteria provided, single submitter. Criteria: Invitae Variant Classification Sherloc (09022015). Collection method: clinical testing. Allele origin: germline.
Comment: In summary, the available evidence is currently insufficient to determine the role of this variant in disease. Therefore, it has been classified as a Variant of Uncertain Significance. An algorithm developed to predict the effect of missense changes on protein structure and function (PolyPhen-2) suggests that this variant is likely to be tolerated. This variant has not been reported in the literature in individuals affected with AP4E1-related conditions. This variant is not present in population databases (gnomAD no frequency). This sequence change replaces lysine, which is basic and polar, with threonine, which is neutral and polar, at codon 29 of the AP4E1 protein (p.Lys29Thr).